The following is an entry in ClinVar:

NM_000548.5(TSC2):c.1730C>T (p.Thr577Ile)

Gene: TSC2 (TSC complex subunit 2; plus strand). Cytogenetic location: 16p13.3.
Variant type: single nucleotide variant.
Coding change: c.1730C>T on transcript NM_000548.5 (MANE Select); coding-DNA position 1730, C replaced by T.
Protein change: p.Thr577Ile; replaces threonine 577 with isoleucine.
Molecular consequence: missense variant.
Genome position (GRCh38, 1-based): chr16:2,070,469, C>T. VCF-style: chr16-2070469-C-T. GRCh37 (hg19) VCF-style: chr16-2120470-C-T.
Other names: c.1730C>T, p.Thr577Ile (NM_001077183.3, NM_001114382.3, NM_001363528.2 and 3 more transcripts); c.1619C>T, p.Thr540Ile (NM_001318827.2); c.1583C>T, p.Thr528Ile (NM_001318829.2); c.1130C>T, p.Thr377Ile (NM_001318831.2); c.1763C>T, p.Thr588Ile (NM_001318832.2); short protein forms T577I, T377I, T588I, T528I, T540I.
Identifiers: ClinVar variation 467892 (VCV000467892.24), dbSNP rs770895919, ClinGen allele CA033165.

ClinVar aggregate classification (germline): Conflicting classifications of pathogenicity. Review status: criteria provided, conflicting classifications (1 of 4 stars). 8 submissions from 8 submitters: Uncertain significance (4); Benign (1); Likely benign (3). Last evaluated 2026-01-26.

Conditions:
Tuberous sclerosis syndrome (TSC). Also called: Tuberous Sclerosis Complex; Tuberous sclerosis. Identifiers: Orphanet 805, MedGen C0041341, MONDO:0001734.
Tuberous sclerosis 2 (TSC2). Identifiers: Orphanet 805, MedGen C1860707, MONDO:0013199, OMIM 613254.
Hereditary cancer-predisposing syndrome. Also called: Hereditary neoplastic syndrome; Neoplastic Syndromes, Hereditary; Tumor predisposition; Hereditary Cancer Syndrome. Identifiers: Orphanet 140162, MedGen C0027672, MeSH D009386, MONDO:0015356.
Isolated focal cortical dysplasia type II (FCORD2). Also called: CORTICAL DYSPLASIA OF TAYLOR; Focal cortical dysplasia type II. Identifiers: Orphanet 268994, MedGen C1846385, MONDO:0011818, OMIM 607341, HP:0032051.
Lymphangiomyomatosis (LAM). Also called: Lymphangioleiomyomatosis; Lymphangioleiomyomatosis, somatic. Identifiers: Orphanet 538, MedGen C0751674, MONDO:0011705, OMIM 606690.

Allele frequency attached by ClinVar (database versions not stated): gnomAD exomes below 0.00001 and 0.00001; ExAC 0.00001; TOPMed 0.00001; gnomAD 0.00003 and 0.00004.
gnomAD v4.1: 8 of 1,613,304 alleles (0.0005%); highest among the groups gnomAD compares: African/African-American, 0.0093%; no homozygotes.

Submissions (8):

Labcorp Genetics (formerly Invitae), Labcorp
Classification: Benign for Tuberous sclerosis 2. Last evaluated: 2026-01-26. Review status: criteria provided, single submitter. Criteria: Invitae Variant Classification Sherloc (09022015). Collection method: clinical testing. Allele origin: germline.

Ambry Genetics
Classification: Uncertain significance for Hereditary cancer-predisposing syndrome. Last evaluated: 2025-11-17. Review status: criteria provided, single submitter. Criteria: Ambry Variant Classification Scheme 2023. Collection method: clinical testing. Allele origin: germline.
Comment: The p.T577I variant (also known as c.1730C>T), located in coding exon 16 of the TSC2 gene, results from a C to T substitution at nucleotide position 1730. The threonine at codon 577 is replaced by isoleucine, an amino acid with similar properties. This amino acid position is not well conserved in available vertebrate species. In addition, the in silico prediction for this alteration is inconclusive. Since supporting evidence is limited at this time, the clinical significance of this alteration remains unclear.

All of Us Research Program, National Institutes of Health
Classification: Likely benign for Tuberous sclerosis syndrome. Last evaluated: 2024-08-29. Review status: criteria provided, single submitter. Criteria: ACMG Guidelines, 2015. Collection method: clinical testing. Allele origin: germline. Inheritance: Autosomal dominant inheritance. Observed: 1 variant allele, 1 heterozygote.
Comment: This study involves interpretation of variants in research participants for the purpose of population health screening. Participant phenotype was not available at the time of variant classification. Additional details can be found in publication PMID: 35346344, PMCID: PMC8962531

Myriad Genetics, Inc.
Classification: Likely benign for Tuberous sclerosis 2. Last evaluated: 2024-08-09. Review status: criteria provided, single submitter. Criteria: Myriad Autosomal Dominant, Autosomal Recessive and X-Linked Classification Criteria (2023). Collection method: clinical testing. Allele origin: unknown.
Comment: This variant is considered likely benign. This variant has been observed at a population frequency that is significantly greater than expected given the associated disease prevalence and penetrance.

Fulgent Genetics
Classification: Uncertain significance for Lymphangiomyomatosis; Isolated focal cortical dysplasia type II; Tuberous sclerosis 2. Last evaluated: 2024-03-06. Review status: criteria provided, single submitter. Criteria: ACMG Guidelines, 2015. Collection method: clinical testing. Allele origin: germline.

GeneDx
Classification: Uncertain significance. Last evaluated: 2023-07-05. Review status: criteria provided, single submitter. Criteria: GeneDx Variant Classification Process June 2021. Collection method: clinical testing. Allele origin: germline. Affected: yes.
Comment: In silico analysis supports that this missense variant has a deleterious effect on protein structure/function; Has not been previously published as pathogenic or benign to our knowledge

Color Diagnostics, LLC DBA Color Health
Classification: Likely benign for Tuberous sclerosis syndrome. Last evaluated: 2022-09-21. Review status: criteria provided, single submitter. Criteria: ACMG Guidelines, 2015. Collection method: clinical testing. Allele origin: germline.

Genome-Nilou Lab
Classification: Uncertain significance for Tuberous sclerosis 2. Last evaluated: 2021-11-07. Review status: criteria provided, single submitter. Criteria: ACMG Guidelines, 2015. Collection method: clinical testing. Allele origin: germline. Affected: no.